The following is an entry in ClinVar:

ClinVar aggregate classification (germline): Uncertain significance. Review status: criteria provided, multiple submitters, no conflicts (2 of 4 stars). 2 submissions from 2 submitters: Uncertain significance (2). Last evaluated 2025-06-09.

Conditions:
Inborn genetic diseases. Identifiers: MedGen C0950123, MeSH D030342.

Allele frequency attached by ClinVar (database versions not stated): gnomAD exomes 0.00002; gnomAD 0.00003; ExAC 0.00004; TOPMed 0.00009.
gnomAD v4.1: 30 of 1,614,072 alleles (0.0019%); highest among the groups gnomAD compares: Admixed American, 0.045%; no homozygotes.

Submissions (2):

Ambry Genetics
Classification: Uncertain significance for Inborn genetic diseases. Last evaluated: 2025-06-09. Review status: criteria provided, single submitter. Criteria: Ambry Variant Classification Scheme 2023. Collection method: clinical testing. Allele origin: germline.

Labcorp Genetics (formerly Invitae), Labcorp
Classification: Uncertain significance. Last evaluated: 2022-07-23. Review status: criteria provided, single submitter. Criteria: Invitae Variant Classification Sherloc (09022015). Collection method: clinical testing. Allele origin: germline.
Comment: This sequence change replaces isoleucine, which is neutral and non-polar, with valine, which is neutral and non-polar, at codon 332 of the YARS2 protein (p.Ile332Val). This variant is present in population databases (rs759167403, gnomAD 0.04%). This variant has not been reported in the literature in individuals affected with YARS2-related conditions. Advanced modeling of protein sequence and biophysical properties (such as structural, functional, and spatial information, amino acid conservation, physicochemical variation, residue mobility, and thermodynamic stability) performed at Invitae indicates that this missense variant is not expected to disrupt YARS2 protein function. In summary, the available evidence is currently insufficient to determine the role of this variant in disease. Therefore, it has been classified as a Variant of Uncertain Significance.

NM_001040436.3(YARS2):c.994A>G (p.Ile332Val)

Gene: YARS2 (tyrosyl-tRNA synthetase 2; minus strand). Cytogenetic location: 12p11.21.
Variant type: single nucleotide variant.
Coding change: c.994A>G on transcript NM_001040436.3 (MANE Select); coding-DNA position 994, A replaced by G.
Protein change: p.Ile332Val; replaces isoleucine 332 with valine.
Molecular consequence: missense variant.
Genome position (GRCh38, 1-based): chr12:32,750,828, T>C on the plus strand (A>G on the coding strand, the complement: YARS2 is on the minus strand). VCF-style: chr12-32750828-T-C. GRCh37 (hg19) VCF-style: chr12-32903762-T-C.
Other names: c.994A>G (NM_001040436.2); short protein forms I332V.
Identifiers: ClinVar variation 2080686 (VCV002080686.2), dbSNP rs759167403, ClinGen allele CA6508020.